The following is an entry in ClinVar:

ClinVar aggregate classification (germline): Uncertain significance (1 of 4 stars; one submission).

Submission:

GeneDx
Classification: Uncertain significance. Last evaluated: 2023-11-02. Review status: criteria provided, single submitter. Criteria: GeneDx Variant Classification Process June 2021. Collection method: clinical testing. Allele origin: germline. Affected: yes.
Comment: Not observed at significant frequency in large population cohorts (gnomAD); In silico analysis supports that this missense variant has a deleterious effect on protein structure/function; Has not been previously published as pathogenic or benign to our knowledge

NM_003128.3(SPTBN1):c.1436A>T (p.Gln479Leu)

Gene: SPTBN1 (spectrin beta, non-erythrocytic 1; plus strand). Cytogenetic location: 2p16.2.
Variant type: single nucleotide variant.
Coding change: c.1436A>T on transcript NM_003128.3 (MANE Select); coding-DNA position 1436, A replaced by T.
Protein change: p.Gln479Leu; replaces glutamine 479 with leucine.
Molecular consequence: missense variant.
Genome position (GRCh38, 1-based): chr2:54,626,026, A>T. VCF-style: chr2-54626026-A-T. GRCh37 (hg19) VCF-style: chr2-54853163-A-T.
Other names: c.1397A>T, p.Gln466Leu (NM_178313.3); short protein forms Q466L, Q479L.
Identifiers: ClinVar variation 3363531 (VCV003363531.1).